The following is an entry in ClinVar:

NM_004380.3(CREBBP):c.4764G>A (p.Lys1588=)

Gene: CREBBP (CREB binding lysine acetyltransferase; minus strand). Cytogenetic location: 16p13.3.
Variant type: single nucleotide variant.
Coding change: c.4764G>A on transcript NM_004380.3 (MANE Select); coding-DNA position 4764, G replaced by A.
Protein change: p.Lys1588=; no amino-acid change (lysine 1588 retained).
Molecular consequence: synonymous variant.
Genome position (GRCh38, 1-based): chr16:3,731,902, C>T on the plus strand (G>A on the coding strand, the complement: CREBBP is on the minus strand). VCF-style: chr16-3731902-C-T. GRCh37 (hg19) VCF-style: chr16-3781903-C-T.
Other names: c.4650G>A, p.Lys1550= (NM_001079846.1).
Identifiers: ClinVar variation 2186479 (VCV002186479.20), dbSNP rs1450303039, ClinGen allele CA493277463.

ClinVar aggregate classification (germline): Likely benign. Review status: criteria provided, multiple submitters, no conflicts (2 of 4 stars). 2 submissions from 2 submitters: Likely benign (2). Last evaluated 2024-08-01.

Conditions:
Rubinstein-Taybi syndrome (RSTS). Identifiers: Orphanet 783, MedGen C0035934, MONDO:0019188.

gnomAD v4.1: 2 of 1,614,250 alleles (0.00012%); highest among the groups gnomAD compares: Middle Eastern, 0.016%; no homozygotes.

Submissions (2):

CeGaT Center for Human Genetics Tuebingen
Classification: Likely benign. Last evaluated: 2024-08-01. Review status: criteria provided, single submitter. Criteria: CeGaT Center For Human Genetics Tuebingen Variant Classification Criteria Version 2. Collection method: clinical testing. Allele origin: germline. Affected: yes. Observed: 1 variant allele.
Comment: CREBBP: BP4

Labcorp Genetics (formerly Invitae), Labcorp
Classification: Likely benign for Rubinstein-Taybi syndrome. Last evaluated: 2022-03-26. Review status: criteria provided, single submitter. Criteria: Invitae Variant Classification Sherloc (09022015). Collection method: clinical testing. Allele origin: germline.